The following is an entry in ClinVar:

NM_004863.4(SPTLC2):c.756+6A>G

Gene: SPTLC2 (serine palmitoyltransferase long chain base subunit 2; minus strand). Cytogenetic location: 14q24.3.
Variant type: single nucleotide variant.
Coding change: c.756+6A>G on transcript NM_004863.4 (MANE Select); 6 bases into the intron after coding-DNA position 756, A replaced by G.
Molecular consequence: intron variant.
Genome position (GRCh38, 1-based): chr14:77,570,378, T>C on the plus strand (A>G on the coding strand, the complement: SPTLC2 is on the minus strand). VCF-style: chr14-77570378-T-C. GRCh37 (hg19) VCF-style: chr14-78036721-T-C.
Identifiers: ClinVar variation 848921 (VCV000848921.9), dbSNP rs1386326474, ClinGen allele CA615219710.
Genomic context (GRCh38, chr14:77,570,378, plus strand): 5'-TGACTGCTTTTCAAAACAAAAGAAGATATACATGAGGGAGTTTTCATAAATGACAGAGTA[T>C]CTTACTTTGCCAACAAGAGCAGGAATGTTCATTGAATTCGTTGCAAATCCCATGCCATAC-3'

ClinVar aggregate classification (germline): Uncertain significance (1 of 4 stars; one submission).

Conditions:
Neuropathy, hereditary sensory and autonomic, type 1C. Also called: HSAN IC; HSN IC. Identifiers: Orphanet 36386, MedGen C3150896, MONDO:0013337, OMIM 613640.

Allele frequency attached by ClinVar (database versions not stated): gnomAD exomes below 0.00001.
gnomAD v4.1: 1 of 1,612,728 alleles (0.000062%); highest among the groups gnomAD compares: Non-Finnish European, 0.000085%; no homozygotes.

Submission:

Labcorp Genetics (formerly Invitae), Labcorp
Classification: Uncertain significance for Neuropathy, hereditary sensory and autonomic, type 1C. Last evaluated: 2019-11-26. Review status: criteria provided, single submitter. Criteria: Invitae Variant Classification Sherloc (09022015). Collection method: clinical testing. Allele origin: germline.
Comment: This variant has not been reported in the literature in individuals with SPTLC2-related conditions. This variant is not present in population databases (ExAC no frequency). This sequence change falls in intron 5 of the SPTLC2 gene. It does not directly change the encoded amino acid sequence of the SPTLC2 protein, but it affects a nucleotide within the consensus splice site of the intron. In summary, the available evidence is currently insufficient to determine the role of this variant in disease. Therefore, it has been classified as a Variant of Uncertain Significance. Nucleotide substitutions within the consensus splice site are a relatively common cause of aberrant splicing (PMID: 17576681, 9536098). Algorithms developed to predict the effect of sequence changes on RNA splicing suggest that this variant may create or strengthen a splice site, but this prediction has not been confirmed by published transcriptional studies.

Literature cited by the submitters: PubMed 17576681; PubMed 9536098.